The following is an entry in ClinVar:

ClinVar aggregate classification (germline): Likely benign. Review status: criteria provided, single submitter (1 of 4 stars). 2 submissions from 2 submitters: Likely benign (1). 1 of the submissions does not count toward it. Last evaluated 2025-06-01.

Conditions:
DOCK6-related disorder. Also called: DOCK6-related condition.

Allele frequency attached by ClinVar (database versions not stated): gnomAD 0.00003; TOPMed 0.00003; gnomAD exomes 0.00004 and 0.00010; ExAC 0.00013.
gnomAD v4.1: 64 of 1,605,924 alleles (0.004%); highest among the groups gnomAD compares: Middle Eastern, 0.07%; no homozygotes.

Submissions (2):

Labcorp Genetics (formerly Invitae), Labcorp
Classification: Likely benign. Last evaluated: 2025-06-01. Review status: criteria provided, single submitter. Criteria: Invitae Variant Classification Sherloc (09022015). Collection method: clinical testing. Allele origin: germline.

PreventionGenetics, part of Exact Sciences
Classification: Likely benign for DOCK6-related condition. Last evaluated: 2019-02-21. Review status: no assertion criteria provided. Collection method: clinical testing. Allele origin: germline. Not counted in ClinVar's aggregate classification.
Comment: This variant is classified as likely benign based on ACMG/AMP sequence variant interpretation guidelines (Richards et al. 2015 PMID: 25741868, with internal and published modifications).

NM_020812.4(DOCK6):c.687G>A (p.Pro229=)

Gene: DOCK6 (dedicator of cytokinesis 6; minus strand). Cytogenetic location: 19p13.2.
Variant type: single nucleotide variant.
Coding change: c.687G>A on transcript NM_020812.4 (MANE Select); coding-DNA position 687, G replaced by A.
Protein change: p.Pro229=; no amino-acid change (proline 229 retained).
Molecular consequence: synonymous variant.
Genome position (GRCh38, 1-based): chr19:11,250,907, C>T on the plus strand (G>A on the coding strand, the complement: DOCK6 is on the minus strand). VCF-style: chr19-11250907-C-T. GRCh37 (hg19) VCF-style: chr19-11361583-C-T.
Other names: c.687G>A, p.Pro229= (NM_001367830.1); c.687G>A (NM_020812.3).
Identifiers: ClinVar variation 1579172 (VCV001579172.10), dbSNP rs770443638, ClinGen allele CA9208404.